The following is an entry in ClinVar:

ClinVar aggregate classification (germline): Uncertain significance (1 of 4 stars; one submission).

Conditions:
Spondyloenchondrodysplasia with immune dysregulation (SPENCDI). Also called: ROIFMAN IMMUNOSKELETAL SYNDROME; COMBINED IMMUNODEFICIENCY WITH AUTOIMMUNITY AND SPONDYLOMETAPHYSEAL DYSPLASIA; SPONDYLOENCHONDRODYSPLASIA WITH OR WITHOUT IMMUNE DYSREGULATION. Identifiers: Orphanet 1855, MedGen C1842763, MONDO:0011939, OMIM 607944.

Allele frequency attached by ClinVar (database versions not stated): TOPMed below 0.00001; gnomAD exomes 0.00001; ExAC 0.00002.

Submission:

Labcorp Genetics (formerly Invitae), Labcorp
Classification: Uncertain significance for Spondyloenchondrodysplasia with immune dysregulation. Last evaluated: 2022-02-18. Review status: criteria provided, single submitter. Criteria: Invitae Variant Classification Sherloc (09022015). Collection method: clinical testing. Allele origin: germline.
Comment: The frequency data for this variant in the population databases is considered unreliable, as metrics indicate poor data quality at this position in the gnomAD database. In summary, the available evidence is currently insufficient to determine the role of this variant in disease. Therefore, it has been classified as a Variant of Uncertain Significance. Algorithms developed to predict the effect of missense changes on protein structure and function are either unavailable or do not agree on the potential impact of this missense change (SIFT: "Not Available"; PolyPhen-2: "Benign"; Align-GVGD: "Not Available"). This variant has not been reported in the literature in individuals affected with ACP5-related conditions. This sequence change replaces alanine, which is neutral and non-polar, with valine, which is neutral and non-polar, at codon 193 of the ACP5 protein (p.Ala193Val).

NM_001611.5(ACP5):c.578C>T (p.Ala193Val)

Gene: ACP5 (acid phosphatase 5, tartrate resistant; minus strand). Cytogenetic location: 19p13.2.
Variant type: single nucleotide variant.
Coding change: c.578C>T on transcript NM_001611.5 (MANE Select); coding-DNA position 578, C replaced by T.
Protein change: p.Ala193Val; replaces alanine 193 with valine.
Molecular consequence: missense variant.
Genome position (GRCh38, 1-based): chr19:11,576,400, G>A on the plus strand (C>T on the coding strand, the complement: ACP5 is on the minus strand). VCF-style: chr19-11576400-G-A. GRCh37 (hg19) VCF-style: chr19-11687215-G-A.
Other names: c.578C>T, p.Ala193Val (NM_001111034.3, NM_001111035.3, NM_001111036.3 and 1 more transcripts); short protein forms A193V.
Identifiers: ClinVar variation 1958424 (VCV001958424.3), dbSNP rs756201795, ClinGen allele CA9215384.